The following is an entry in ClinVar:

NC_000012.11:g.(?_57891920)_(57898102_?)del

Gene: MARS1 (methionyl-tRNA synthetase 1; plus strand). Cytogenetic location: 12q13.3.
Variant type: Deletion.
Identifiers: ClinVar variation 3244338 (VCV003244338.1).

ClinVar aggregate classification (germline): Uncertain significance (1 of 4 stars; one submission).

Conditions:
Severe early-onset pulmonary alveolar proteinosis due to MARS deficiency. Also called: PULMONARY ALVEOLAR PROTEINOSIS, REUNION ISLAND; Interstitial lung and liver disease. Identifiers: Orphanet 440427, MedGen C4225400, MONDO:0014206, OMIM 615486.
Charcot-Marie-Tooth disease axonal type 2U. Also called: CHARCOT-MARIE-TOOTH NEUROPATHY, TYPE 2U; CHARCOT-MARIE-TOOTH DISEASE, AXONAL, AUTOSOMAL DOMINANT, TYPE 2U. Identifiers: Orphanet 397735, MedGen C4084821, MONDO:0014566, OMIM 616280.

Submission:

Labcorp Genetics (formerly Invitae), Labcorp
Classification: Uncertain significance for Charcot-Marie-Tooth disease axonal type 2U; Severe early-onset pulmonary alveolar proteinosis due to MARS deficiency. Last evaluated: 2023-10-14. Review status: criteria provided, single submitter. Criteria: Invitae Variant Classification Sherloc (09022015). Collection method: clinical testing. Allele origin: unknown.
Comment: This variant is a gross deletion of the genomic region encompassing exon(s) 8-11 of the MARS gene. This deletion is out-of-frame, and is expected to create a premature translational stop signal and result in an absent or disrupted protein product. However, the current clinical and genetic evidence is not sufficient to establish whether loss-of-function variants in MARS cause disease. This variant has not been reported in the literature in individuals affected with MARS-related conditions. In summary, the available evidence is currently insufficient to determine the role of this variant in disease. Therefore, it has been classified as a Variant of Uncertain Significance.